The following is an entry in ClinVar:

NM_000059.4(BRCA2):c.587G>C (p.Ser196Thr)

Gene: BRCA2 (BRCA2 DNA repair associated; plus strand). Cytogenetic location: 13q13.1.
Variant type: single nucleotide variant.
Coding change: c.587G>C on transcript NM_000059.4 (MANE Select); coding-DNA position 587, G replaced by C.
Protein change: p.Ser196Thr; replaces serine 196 with threonine.
Molecular consequence: missense variant.
Genome position (GRCh38, 1-based): chr13:32,326,569, G>C. VCF-style: chr13-32326569-G-C. GRCh37 (hg19) VCF-style: chr13-32900706-G-C.
Other names: short protein forms S196T.
Identifiers: ClinVar variation 409414 (VCV000409414.10), dbSNP rs80358818, ClinGen allele CA16613809.
Genomic context (GRCh38, chr13:32,326,569, plus strand): 5'-CACCAAAACATATTTCTGAAAGTCTAGGAGCTGAGGTGGATCCTGATATGTCTTGGTCAA[G>C]TTCTTTAGCTACACCACCCACCCTTAGTTCTACTGTGCTCATAGGTAATAATAGCAAATG-3'
Protein context (NP_000050.3, residues 186-206): AEVDPDMSWS[Ser196Thr]SLATPPTLSS

ClinVar aggregate classification (germline): Uncertain significance. Review status: criteria provided, multiple submitters, no conflicts (2 of 4 stars). 2 submissions from 2 submitters: Uncertain significance (2). Last evaluated 2024-07-30.

Conditions:
Hereditary breast ovarian cancer syndrome. Also called: Hereditary breast and ovarian cancer; Hereditary breast and/or ovarian cancer syndrome; BRCA1- and BRCA2-Associated Hereditary Breast and Ovarian Cancer; Hereditary breast and ovarian cancer syndrome; Hereditary breast and ovarian cancer syndrome (HBOC); Breast and ovarian cancer. Identifiers: Orphanet 145, MedGen C0677776, MeSH D061325, MONDO:0003582. Disease mechanism: loss of function.
Familial cancer of breast. Also called: BREAST CANCER, FAMILIAL; Hereditary breast cancer; hereditary breast carcinoma. Identifiers: Orphanet 227535, MedGen C0346153, MONDO:0016419, OMIM 114480. Disease mechanism: loss of function.

gnomAD v4.1: 2 of 1,613,710 alleles (0.00012%); highest among the groups gnomAD compares: Non-Finnish European, 0.00017%; no homozygotes.

Submissions (2):

Labcorp Genetics (formerly Invitae), Labcorp
Classification: Uncertain significance for Hereditary breast ovarian cancer syndrome. Last evaluated: 2024-07-30. Review status: criteria provided, single submitter. Criteria: Invitae Variant Classification Sherloc (09022015). Collection method: clinical testing. Allele origin: germline.
Comment: This sequence change replaces serine, which is neutral and polar, with threonine, which is neutral and polar, at codon 196 of the BRCA2 protein (p.Ser196Thr). This variant is not present in population databases (gnomAD no frequency). This variant has not been reported in the literature in individuals affected with BRCA2-related conditions. ClinVar contains an entry for this variant (Variation ID: 409414). Advanced modeling of protein sequence and biophysical properties (such as structural, functional, and spatial information, amino acid conservation, physicochemical variation, residue mobility, and thermodynamic stability) performed at Invitae indicates that this missense variant is not expected to disrupt BRCA2 protein function with a negative predictive value of 95%. In summary, the available evidence is currently insufficient to determine the role of this variant in disease. Therefore, it has been classified as a Variant of Uncertain Significance.

Baylor Genetics
Classification: Uncertain significance for Familial cancer of breast. Last evaluated: 2024-02-23. Review status: criteria provided, single submitter. Criteria: ACMG Guidelines, 2015. Collection method: clinical testing. Allele origin: unknown.